The following continues an entry in ClinVar:

NM_007294.4(BRCA1):c.5266dup (p.Gln1756fs)

Gene: BRCA1. ClinVar aggregate classification (germline): Pathogenic. Pathogenic (1).

Submissions 97 to 101 of 101:

Diagnostic Laboratory, Department of Genetics, University Medical Center Groningen
Classification: Pathogenic for Breast-ovarian cancer, familial, susceptibility to, 1. Review status: no assertion criteria provided. Collection method: clinical testing. Allele origin: germline. Affected: yes. Study: VKGL Data-share Consensus. Not counted in ClinVar's aggregate classification.

GeneReviews
No classification provided. Condition: Hereditary breast ovarian cancer syndrome. Review status: no classification provided. Collection method: literature only. Allele origin: germline. Not counted in ClinVar's aggregate classification.
Comment: Founder variant in Ashkenazi Jews; accounts for 26% of pathogenic variants in this population

Laboratory of Diagnostic Genome Analysis, Leiden University Medical Center (LUMC)
Classification: Pathogenic. Review status: no assertion criteria provided. Collection method: clinical testing. Allele origin: germline. Affected: yes. Study: VKGL Data-share Consensus. Not counted in ClinVar's aggregate classification.

Medical Genetics, Medical University Pleven
Classification: Pathogenic for Breast-ovarian cancer, familial, susceptibility to, 1. Review status: no assertion criteria provided. Collection method: research. Allele origin: germline. Inheritance: Autosomal dominant inheritance. Affected: yes. Not counted in ClinVar's aggregate classification.

Department of Pathology and Laboratory Medicine, Sinai Health System
Classification: Uncertain significance for Malignant tumor of breast. Review status: flagged submission. Collection method: clinical testing. Allele origin: unknown. Affected: yes. Observed: 1 variant allele. Study: The Canadian Open Genetics Repository (COGR). Not counted in ClinVar's aggregate classification.
ClinVar note: Reason: Outlier claim with insufficient supporting evidence

Literature cited by the submitters: PubMed 33471991 (cited by 5 submitters); PubMed 9042909 (cited by 7 submitters); PubMed 22185575 (cited by 3 submitters); PubMed 22430266 (cited by 10 submitters); PubMed 15994883 (cited by 7 submitters); PubMed 18431737 (cited by Labcorp Genetics (formerly Invitae), Labcorp and Institute for Genomic Medicine (IGM) Clinical Laboratory, Nationwide Children's Hospital); PubMed 24825132 (cited by Labcorp Genetics (formerly Invitae), Labcorp); PubMed 25428789 (cited by Labcorp Genetics (formerly Invitae), Labcorp); PubMed 8841191 (cited by 5 submitters); PubMed 9145676 (cited by 4 submitters); PubMed 11466700 (cited by 4 submitters); PubMed 23199084 (cited by Center for Genomic Medicine, Rigshospitalet, Copenhagen University Hospital and Pathway Genomics); PubMed 10090881 (cited by Ambry Genetics); PubMed 20569256 (cited by 4 submitters); PubMed 21119707 (cited by 4 submitters); PubMed 25980754 (cited by Ambry Genetics and Quest Diagnostics Nichols Institute San Juan Capistrano); PubMed 26718727 (cited by Ambry Genetics and Quest Diagnostics Nichols Institute San Juan Capistrano); PubMed 27433846 (cited by Ambry Genetics and Quest Diagnostics Nichols Institute San Juan Capistrano); PubMed 29335925 (cited by 5 submitters); PubMed 29492181 (cited by 3 submitters); PubMed 7545954 (cited by Color Diagnostics, LLC DBA Color Health and All of Us Research Program, National Institutes of Health); PubMed 7894492 (cited by 6 submitters); PubMed 8531967 (cited by 3 submitters); PubMed 9150153 (cited by 3 submitters); PubMed 14729053 (cited by 3 submitters); PubMed 17922257 (cited by Color Diagnostics, LLC DBA Color Health and All of Us Research Program, National Institutes of Health); PubMed 18334730 (cited by Color Diagnostics, LLC DBA Color Health and All of Us Research Program, National Institutes of Health); PubMed 21643751 (cited by Color Diagnostics, LLC DBA Color Health and All of Us Research Program, National Institutes of Health); PubMed 23867111 (cited by 4 submitters); PubMed 24312913 (cited by Color Diagnostics, LLC DBA Color Health and All of Us Research Program, National Institutes of Health); PubMed 25418591 (cited by Color Diagnostics, LLC DBA Color Health and All of Us Research Program, National Institutes of Health); PubMed 30152102 (cited by 4 submitters); PubMed 30480775 (cited by Color Diagnostics, LLC DBA Color Health and All of Us Research Program, National Institutes of Health); PubMed 30606148 (cited by 3 submitters); PubMed 30975216 (cited by Color Diagnostics, LLC DBA Color Health and All of Us Research Program, National Institutes of Health); PubMed 20104584 (cited by Institute for Genomic Medicine (IGM) Clinical Laboratory, Nationwide Children's Hospital); PubMed 30551077 (cited by Victorian Clinical Genetics Services, Murdoch Childrens Research Institute); PubMed 10464624 (cited by Quest Diagnostics Nichols Institute San Juan Capistrano); PubMed 10739756 (cited by Quest Diagnostics Nichols Institute San Juan Capistrano); PubMed 10885601 (cited by Quest Diagnostics Nichols Institute San Juan Capistrano); PubMed 11597388 (cited by Quest Diagnostics Nichols Institute San Juan Capistrano); PubMed 12125210 (cited by Quest Diagnostics Nichols Institute San Juan Capistrano); PubMed 12752644 (cited by Quest Diagnostics Nichols Institute San Juan Capistrano); PubMed 12771565 (cited by Quest Diagnostics Nichols Institute San Juan Capistrano); PubMed 14986830 (cited by Quest Diagnostics Nichols Institute San Juan Capistrano); PubMed 16030426 (cited by Quest Diagnostics Nichols Institute San Juan Capistrano); PubMed 19359128 (cited by Quest Diagnostics Nichols Institute San Juan Capistrano); PubMed 20345474 (cited by Quest Diagnostics Nichols Institute San Juan Capistrano and Counsyl); PubMed 20507347 (cited by 3 submitters); PubMed 20730485 (cited by Quest Diagnostics Nichols Institute San Juan Capistrano); PubMed 21324516 (cited by Quest Diagnostics Nichols Institute San Juan Capistrano and Counsyl); PubMed 21503673 (cited by Quest Diagnostics Nichols Institute San Juan Capistrano and Counsyl); PubMed 21834074 (cited by Quest Diagnostics Nichols Institute San Juan Capistrano); PubMed 22006311 (cited by Quest Diagnostics Nichols Institute San Juan Capistrano and Counsyl); PubMed 22009639 (cited by Quest Diagnostics Nichols Institute San Juan Capistrano); PubMed 22032251 (cited by 3 submitters); PubMed 22535016 (cited by Quest Diagnostics Nichols Institute San Juan Capistrano); PubMed 22666503 (cited by Quest Diagnostics Nichols Institute San Juan Capistrano); PubMed 23232912 (cited by Quest Diagnostics Nichols Institute San Juan Capistrano and Counsyl); PubMed 23954390 (cited by Quest Diagnostics Nichols Institute San Juan Capistrano); PubMed 24319668 (cited by Quest Diagnostics Nichols Institute San Juan Capistrano); PubMed 24504028 (cited by Quest Diagnostics Nichols Institute San Juan Capistrano); PubMed 24737347 (cited by Quest Diagnostics Nichols Institute San Juan Capistrano); PubMed 26440929 (cited by Quest Diagnostics Nichols Institute San Juan Capistrano); PubMed 26556299 (cited by Quest Diagnostics Nichols Institute San Juan Capistrano); PubMed 26666763 (cited by Quest Diagnostics Nichols Institute San Juan Capistrano); PubMed 26681312 (cited by Quest Diagnostics Nichols Institute San Juan Capistrano); PubMed 26689913 (cited by Quest Diagnostics Nichols Institute San Juan Capistrano); PubMed 27062684 (cited by Quest Diagnostics Nichols Institute San Juan Capistrano); PubMed 27425403 (cited by Quest Diagnostics Nichols Institute San Juan Capistrano); PubMed 27741520 (cited by Quest Diagnostics Nichols Institute San Juan Capistrano); PubMed 27914478 (cited by Quest Diagnostics Nichols Institute San Juan Capistrano); PubMed 27989354 (cited by Quest Diagnostics Nichols Institute San Juan Capistrano); PubMed 28049106 (cited by Quest Diagnostics Nichols Institute San Juan Capistrano); PubMed 28091860 (cited by Quest Diagnostics Nichols Institute San Juan Capistrano); PubMed 28111427 (cited by Quest Diagnostics Nichols Institute San Juan Capistrano); PubMed 28285342 (cited by Quest Diagnostics Nichols Institute San Juan Capistrano); PubMed 28324225 (cited by Quest Diagnostics Nichols Institute San Juan Capistrano); PubMed 28423363 (cited by Quest Diagnostics Nichols Institute San Juan Capistrano); PubMed 28503720 (cited by Quest Diagnostics Nichols Institute San Juan Capistrano); PubMed 29161300 (cited by Quest Diagnostics Nichols Institute San Juan Capistrano); PubMed 29310832 (cited by Quest Diagnostics Nichols Institute San Juan Capistrano); PubMed 29335924 (cited by Quest Diagnostics Nichols Institute San Juan Capistrano); PubMed 29339979 (cited by Quest Diagnostics Nichols Institute San Juan Capistrano); PubMed 29433453 (cited by Quest Diagnostics Nichols Institute San Juan Capistrano); PubMed 29478780 (cited by Quest Diagnostics Nichols Institute San Juan Capistrano); PubMed 29625052 (cited by Quest Diagnostics Nichols Institute San Juan Capistrano); PubMed 29790872 (cited by Quest Diagnostics Nichols Institute San Juan Capistrano); PubMed 29907814 (cited by Quest Diagnostics Nichols Institute San Juan Capistrano); PubMed 29961768 (cited by Quest Diagnostics Nichols Institute San Juan Capistrano and Illumina Laboratory Services, Illumina); PubMed 30067863 (cited by Quest Diagnostics Nichols Institute San Juan Capistrano); PubMed 30113427 (cited by Quest Diagnostics Nichols Institute San Juan Capistrano); PubMed 30159786 (cited by Quest Diagnostics Nichols Institute San Juan Capistrano); PubMed 30186769 (cited by Quest Diagnostics Nichols Institute San Juan Capistrano); PubMed 30322717 (cited by Quest Diagnostics Nichols Institute San Juan Capistrano); PubMed 30333958 (cited by Quest Diagnostics Nichols Institute San Juan Capistrano); PubMed 30489631 (cited by Quest Diagnostics Nichols Institute San Juan Capistrano); PubMed 30613976 (cited by Quest Diagnostics Nichols Institute San Juan Capistrano); PubMed 30676620 (cited by Quest Diagnostics Nichols Institute San Juan Capistrano); PubMed 31090900 (cited by Quest Diagnostics Nichols Institute San Juan Capistrano); PubMed 31159747 (cited by Quest Diagnostics Nichols Institute San Juan Capistrano); PubMed 31360904 (cited by Quest Diagnostics Nichols Institute San Juan Capistrano); PubMed 31447099 (cited by Quest Diagnostics Nichols Institute San Juan Capistrano); PubMed 31454914 (cited by Quest Diagnostics Nichols Institute San Juan Capistrano); PubMed 31528241 (cited by Quest Diagnostics Nichols Institute San Juan Capistrano); PubMed 31851867 (cited by Quest Diagnostics Nichols Institute San Juan Capistrano); PubMed 32039725 (cited by Quest Diagnostics Nichols Institute San Juan Capistrano); PubMed 32058061 (cited by Quest Diagnostics Nichols Institute San Juan Capistrano); PubMed 32338768 (cited by Quest Diagnostics Nichols Institute San Juan Capistrano); PubMed 32341426 (cited by Quest Diagnostics Nichols Institute San Juan Capistrano); PubMed 32719484 (cited by Quest Diagnostics Nichols Institute San Juan Capistrano); PubMed 32854451 (cited by Quest Diagnostics Nichols Institute San Juan Capistrano); PubMed 32885271 (cited by Quest Diagnostics Nichols Institute San Juan Capistrano); PubMed 33449224 (cited by Quest Diagnostics Nichols Institute San Juan Capistrano); PubMed 33484353 (cited by Quest Diagnostics Nichols Institute San Juan Capistrano); PubMed 9634504 (cited by Quest Diagnostics Nichols Institute San Juan Capistrano and Mayo Clinic Laboratories, Mayo Clinic); PubMed 19208665 (cited by Quest Diagnostics Nichols Institute San Juan Capistrano); PubMed 15133502 (cited by Quest Diagnostics Nichols Institute San Juan Capistrano); PubMed 18694767 (cited by Quest Diagnostics Nichols Institute San Juan Capistrano); PubMed 14576434 (cited by Quest Diagnostics Nichols Institute San Juan Capistrano); PubMed 31065452 (cited by Quest Diagnostics Nichols Institute San Juan Capistrano); PubMed 35409996 (cited by Quest Diagnostics Nichols Institute San Juan Capistrano); PubMed 36003761 (cited by Quest Diagnostics Nichols Institute San Juan Capistrano); PubMed 32438681 (cited by Quest Diagnostics Nichols Institute San Juan Capistrano); PubMed 36612302 (cited by Quest Diagnostics Nichols Institute San Juan Capistrano); PubMed 8644703 (cited by Quest Diagnostics Nichols Institute San Juan Capistrano and OMIM); PubMed 26295337 (cited by Quest Diagnostics Nichols Institute San Juan Capistrano); PubMed 20301425 (cited by Illumina Laboratory Services, Illumina and Pathway Genomics); PubMed 11802209 (cited by Illumina Laboratory Services, Illumina); PubMed 29446198 (cited by Mayo Clinic Laboratories, Mayo Clinic); DOI 10.3389/fgene.2022.834265 (cited by National Health Laboratory Service, Universitas Academic Hospital and University of the Free State); PMC 3405339 (cited by Bioinformatics dept., Datar Cancer Genetics Limited, India); PubMed 24884479 (cited by Clinical and Functional Genomics Group, A.C.Camargo Cancer Center); PubMed 32295079 (cited by CZECANCA consortium); PubMed 16541315 (cited by Counsyl); PubMed 10447273 (cited by Counsyl); PubMed 17307836 (cited by Counsyl); PubMed 15951956 (cited by Counsyl); PubMed 10788334 (cited by OMIM); PubMed 8833256 (cited by OMIM); PubMed 18940477 (cited by OMIM); PubMed 18762988 (cited by OMIM); Wagner et al. Int. J. Cancer, in press (cited by Breast Cancer Information Core (BIC) (BRCA1)); PubMed 15024741 (cited by Breast Cancer Information Core (BIC) (BRCA1)); Konstantopoulou et al, Hu Mut 2000 (cited by Breast Cancer Information Core (BIC) (BRCA1)); Ladopolou-et-al.,-Cancer-Lett,-185:61,-2002 (cited by Breast Cancer Information Core (BIC) (BRCA1)); NCBI Bookshelf NBK1247 (cited by GeneReviews); PubMed 11896095 (cited by GeneReviews); PubMed 12402332 (cited by GeneReviews); PubMed 17591843 (cited by GeneReviews).